The following is an entry in ClinVar:

NM_022356.4(P3H1):c.69G>C (p.Glu23Asp)

Gene: P3H1 (prolyl 3-hydroxylase 1; minus strand). Cytogenetic location: 1p34.2.
Variant type: single nucleotide variant.
Coding change: c.69G>C on transcript NM_022356.4 (MANE Select); coding-DNA position 69, G replaced by C.
Protein change: p.Glu23Asp; replaces glutamic acid 23 with aspartic acid.
Molecular consequence: missense variant.
Genome position (GRCh38, 1-based): chr1:42,766,903, C>G on the plus strand (G>C on the coding strand, the complement: P3H1 is on the minus strand). VCF-style: chr1-42766903-C-G. GRCh37 (hg19) VCF-style: chr1-43232574-C-G.
Other names: c.69G>C, p.Glu23Asp (NM_001146289.2, NM_001243246.2); short protein forms E23D.
Identifiers: ClinVar variation 1407463 (VCV001407463.8), dbSNP rs1237398609, ClinGen allele CA339964193.

ClinVar aggregate classification (germline): Uncertain significance (1 of 4 stars; one submission).

Conditions:
Osteogenesis imperfecta type 8 (OI8). Identifiers: MedGen C1970458, MONDO:0012581, OMIM 610915.

Submission:

Labcorp Genetics (formerly Invitae), Labcorp
Classification: Uncertain significance for Osteogenesis imperfecta type 8. Last evaluated: 2021-09-16. Review status: criteria provided, single submitter. Criteria: Invitae Variant Classification Sherloc (09022015). Collection method: clinical testing. Allele origin: germline.
Comment: This sequence change replaces glutamic acid with aspartic acid at codon 23 of the P3H1 protein (p.Glu23Asp). The glutamic acid residue is weakly conserved and there is a small physicochemical difference between glutamic acid and aspartic acid. This variant is not present in population databases (ExAC no frequency). This variant has not been reported in the literature in individuals affected with P3H1-related conditions. Algorithms developed to predict the effect of missense changes on protein structure and function output the following: SIFT: "Tolerated"; PolyPhen-2: "Not Available"; Align-GVGD: "Class C0". The aspartic acid amino acid residue is found in multiple mammalian species, which suggests that this missense change does not adversely affect protein function. In summary, the available evidence is currently insufficient to determine the role of this variant in disease. Therefore, it has been classified as a Variant of Uncertain Significance.